The following is an entry in ClinVar:

NM_024675.4(PALB2):c.2606C>A (p.Ser869Tyr)

Gene: PALB2 (partner and localizer of BRCA2; minus strand). Cytogenetic location: 16p12.2.
Variant type: single nucleotide variant.
Coding change: c.2606C>A on transcript NM_024675.4 (MANE Select); coding-DNA position 2606, C replaced by A.
Protein change: p.Ser869Tyr; replaces serine 869 with tyrosine.
Molecular consequence: missense variant.
Genome position (GRCh38, 1-based): chr16:23,626,378, G>T on the plus strand (C>A on the coding strand, the complement: PALB2 is on the minus strand). VCF-style: chr16-23626378-G-T. GRCh37 (hg19) VCF-style: chr16-23637699-G-T.
Other names: short protein forms S869Y.
Identifiers: ClinVar variation 480245 (VCV000480245.19), dbSNP rs779279139, ClinGen allele CA7963514.

ClinVar aggregate classification (germline): Uncertain significance. Review status: criteria provided, multiple submitters, no conflicts (2 of 4 stars). 3 submissions from 3 submitters: Uncertain significance (3). Last evaluated 2025-08-09.

Conditions:
Familial cancer of breast. Also called: BREAST CANCER, FAMILIAL; Hereditary breast cancer; hereditary breast carcinoma. Identifiers: Orphanet 227535, MedGen C0346153, MONDO:0016419, OMIM 114480. Disease mechanism: loss of function.
Hereditary cancer-predisposing syndrome. Also called: Hereditary Cancer Syndrome; Neoplastic Syndromes, Hereditary; Tumor predisposition; Hereditary neoplastic syndrome. Identifiers: Orphanet 140162, MedGen C0027672, MeSH D009386, MONDO:0015356.

Submissions (3):

Ambry Genetics
Classification: Uncertain significance for Hereditary cancer-predisposing syndrome. Last evaluated: 2025-08-09. Review status: criteria provided, single submitter. Criteria: Ambry Variant Classification Scheme 2023. Collection method: clinical testing. Allele origin: germline.
Comment: The p.S869Y variant (also known as c.2606C>A), located in coding exon 7 of the PALB2 gene, results from a C to A substitution at nucleotide position 2606. The serine at codon 869 is replaced by tyrosine, an amino acid with dissimilar properties. This amino acid position is well conserved in available vertebrate species. In addition, this alteration is predicted to be tolerated by in silico analysis. Since supporting evidence is limited at this time, the clinical significance of this alteration remains unclear.

Labcorp Genetics (formerly Invitae), Labcorp
Classification: Uncertain significance for Familial cancer of breast. Last evaluated: 2024-07-24. Review status: criteria provided, single submitter. Criteria: Invitae Variant Classification Sherloc (09022015). Collection method: clinical testing. Allele origin: germline.
Comment: This sequence change replaces serine, which is neutral and polar, with tyrosine, which is neutral and polar, at codon 869 of the PALB2 protein (p.Ser869Tyr). This variant is present in population databases (rs779279139, gnomAD 0.0009%). This variant has not been reported in the literature in individuals affected with PALB2-related conditions. ClinVar contains an entry for this variant (Variation ID: 480245). Advanced modeling of protein sequence and biophysical properties (such as structural, functional, and spatial information, amino acid conservation, physicochemical variation, residue mobility, and thermodynamic stability) performed at Invitae indicates that this missense variant is expected to disrupt PALB2 protein function with a positive predictive value of 80%. In summary, the available evidence is currently insufficient to determine the role of this variant in disease. Therefore, it has been classified as a Variant of Uncertain Significance.

Color Diagnostics, LLC DBA Color Health
Classification: Uncertain significance for Hereditary cancer-predisposing syndrome. Last evaluated: 2021-06-09. Review status: criteria provided, single submitter. Criteria: ACMG Guidelines, 2015. Collection method: clinical testing. Allele origin: germline.
Comment: This missense variant replaces serine with tyrosine at codon 869 of the PALB2 protein. Computational prediction suggests that this variant may not impact protein structure and function (internally defined REVEL score threshold <= 0.5, PMID: 27666373). To our knowledge, functional studies have not been reported for this variant. This variant has not been reported in individuals affected with hereditary cancer in the literature. This variant has been identified in 1/251482 chromosomes in the general population by the Genome Aggregation Database (gnomAD). The available evidence is insufficient to determine the role of this variant in disease conclusively. Therefore, this variant is classified as a Variant of Uncertain Significance.